The following is an entry in ClinVar:

NM_020987.5(ANK3):c.2322G>C (p.Gly774=)

Gene: ANK3 (ankyrin 3; minus strand). Cytogenetic location: 10q21.2.
Variant type: single nucleotide variant.
Coding change: c.2322G>C on transcript NM_020987.5 (MANE Select); coding-DNA position 2322, G replaced by C.
Protein change: p.Gly774=; no amino-acid change (glycine 774 retained).
Molecular consequence: synonymous variant.
Genome position (GRCh38, 1-based): chr10:60,172,960, C>G on the plus strand (G>C on the coding strand, the complement: ANK3 is on the minus strand). VCF-style: chr10-60172960-C-G. GRCh37 (hg19) VCF-style: chr10-61932718-C-G.
Other names: c.2304G>C, p.Gly768= (NM_001204403.2); c.2271G>C, p.Gly757= (NM_001204404.2); c.2322G>C, p.Gly774= (NM_001320874.2).
Identifiers: ClinVar variation 210149 (VCV000210149.39), dbSNP rs138823660, ClinGen allele CA207685.

ClinVar aggregate classification (germline): Benign/Likely benign. Review status: criteria provided, multiple submitters, no conflicts (2 of 4 stars). 5 submissions from 5 submitters: Benign (3); Likely benign (2). Last evaluated 2025-12-25.

Allele frequency attached by ClinVar (database versions not stated): 1000 Genomes Project 0.00160; 1000 Genomes Project 30x 0.00172; ESP Exome Variant Server 0.00338; gnomAD 0.00344; TOPMed 0.00355.
gnomAD v4.1: 964 of 1,613,882 alleles (0.06%); highest among the groups gnomAD compares: African/African-American, 1.1%; 1 homozygote.

Submissions (5):

Labcorp Genetics (formerly Invitae), Labcorp
Classification: Benign. Last evaluated: 2025-12-25. Review status: criteria provided, single submitter. Criteria: Invitae Variant Classification Sherloc (09022015). Collection method: clinical testing. Allele origin: germline.

CeGaT Center for Human Genetics Tuebingen
Classification: Likely benign. Last evaluated: 2025-04-01. Review status: criteria provided, single submitter. Criteria: CeGaT Center For Human Genetics Tuebingen Variant Classification Criteria Version 2. Collection method: clinical testing. Allele origin: germline. Affected: yes. Observed: 3 variant alleles.
Comment: ANK3: BP4, BP7, BS1

Blueprint Genetics
Classification: Likely benign. Last evaluated: 2024-11-11. Review status: criteria provided, single submitter. Criteria: ACMG Guidelines, 2015. Collection method: clinical testing. Allele origin: germline.

Genetic Services Laboratory, University of Chicago
Classification: Benign. Last evaluated: 2015-10-20. Review status: criteria provided, single submitter. Criteria: ACMG Guidelines, 2015. Collection method: clinical testing. Allele origin: germline. Affected: no.

Breakthrough Genomics
Classification: Benign. Review status: criteria provided, single submitter. Criteria: ACMG Guidelines, 2015. Collection method: not provided. Allele origin: germline. Inheritance: Autosomal recessive inheritance. Affected: yes.